The following is an entry in ClinVar:

ClinVar aggregate classification (germline): Pathogenic (1 of 4 stars; one submission).

Submission:

Labcorp Genetics (formerly Invitae), Labcorp
Classification: Pathogenic. Last evaluated: 2019-09-26. Review status: criteria provided, single submitter. Criteria: Invitae Variant Classification Sherloc (09022015). Collection method: clinical testing. Allele origin: germline.
Comment: This sequence change creates a premature translational stop signal (p.Val800Argfs*44) in the ABCA4 gene. It is expected to result in an absent or disrupted protein product. This variant is not present in population databases (ExAC no frequency). This variant has not been reported in the literature in individuals with ABCA4-related conditions. Loss-of-function variants in ABCA4 are known to be pathogenic (PMID: 10958761, 24938718, 25312043, 26780318). For these reasons, this variant has been classified as Pathogenic.

Literature cited by the submitters: PubMed 10958761; PubMed 24938718; PubMed 25312043; PubMed 26780318.

NM_000350.3(ABCA4):c.2395_2396dup (p.Val800fs)

Gene: ABCA4 (ATP binding cassette subfamily A member 4; minus strand). Cytogenetic location: 1p22.1.
Variant type: Duplication.
Coding change: c.2395_2396dup on transcript NM_000350.3 (MANE Select); coding-DNA positions 2395 to 2396, 2 bases duplicated (CC; older notation c.2395_2396dupCC).
Protein change: p.Val800fs; shifts the reading frame from valine 800.
Molecular consequence: frameshift variant.
Genome position (GRCh38, 1-based): chr1:94,055,302-94,055,303, GG duplicated on the plus strand (CC on the coding strand, the reverse complement: ABCA4 is on the minus strand). VCF-style (leftmost placement, unchanged base first): chr1-94055301-C-CGG. GRCh37 (hg19) VCF-style: chr1-94520857-C-CGG.
Other names: c.2173_2174dup, p.Val726Argfs (NM_001425324.1); short protein forms V800fs.
Identifiers: ClinVar variation 954794 (VCV000954794.7), dbSNP rs1660945616, ClinGen allele CA1139656228.